The following is an entry in ClinVar:

ClinVar aggregate classification (germline): Pathogenic (1 of 4 stars; one submission).

Conditions:
Cardiovascular phenotype. Identifiers: MedGen CN230736.

Submission:

Molecular Diagnostic Laboratory for Inherited Cardiovascular Disease, Montreal Heart Institute
Classification: Pathogenic for Cardiovascular phenotype. Last evaluated: 2025-03-20. Review status: criteria provided, single submitter. Criteria: ACMG Guidelines, 2015. Collection method: clinical testing. Allele origin: germline. Affected: yes.
Comment: PVS1_strong, PS3, PS4, PP1_strong, PM2, PM6

NM_001035.2:c.(168+1_169-1)_(273+1_274-1)del

Gene: RYR2 (ryanodine receptor 2; plus strand).
Variant type: Deletion.
Identifiers: ClinVar variation 3895433 (VCV003895433.1).